The following is an entry in ClinVar:

NM_001999.4(FBN2):c.3974-12T>C

Gene: FBN2 (fibrillin 2; minus strand). Cytogenetic location: 5q23.3.
Variant type: single nucleotide variant.
Coding change: c.3974-12T>C on transcript NM_001999.4 (MANE Select); 12 bases into the intron before coding-DNA position 3974, T replaced by C.
Molecular consequence: intron variant.
Genome position (GRCh38, 1-based): chr5:128,334,856, A>G on the plus strand (T>C on the coding strand, the complement: FBN2 is on the minus strand). VCF-style: chr5-128334856-A-G. GRCh37 (hg19) VCF-style: chr5-127670548-A-G.
Identifiers: ClinVar variation 1303844 (VCV001303844.2), dbSNP rs1328132019, ClinGen allele CA563056215.

ClinVar aggregate classification (germline): Uncertain significance (1 of 4 stars; one submission).

Allele frequency attached by ClinVar (database versions not stated): gnomAD exomes below 0.00001; gnomAD 0.00001; TOPMed 0.00001.
gnomAD v4.1: 5 of 1,604,142 alleles (0.00031%); highest among the groups gnomAD compares: African/African-American, 0.0013%; no homozygotes.

Submission:

GeneDx
Classification: Uncertain significance. Last evaluated: 2019-09-10. Review status: criteria provided, single submitter. Criteria: GeneDx Variant Classification Process June 2021. Collection method: clinical testing. Allele origin: germline. Affected: yes.
Comment: Has not been previously published as pathogenic or benign to our knowledge; Not observed at a significant frequency in large population cohorts (Lek et al., 2016); In-silico analysis, which includes splice predictors and evolutionary conservation, is inconclusive as to whether the variant alters gene splicing. In the absence of RNA/functional studies, the actual effect of this sequence change is unknown.